The following is an entry in ClinVar:

NM_000277.3(PAH):c.353-22C>T

Gene: PAH (phenylalanine hydroxylase; minus strand). Cytogenetic location: 12q23.2.
Variant type: single nucleotide variant.
Coding change: c.353-22C>T on transcript NM_000277.3 (MANE Select); 22 bases into the intron before coding-DNA position 353, C replaced by T.
Molecular consequence: intron variant.
Genome position (GRCh38, 1-based): chr12:102,877,572, G>A on the plus strand (C>T on the coding strand, the complement: PAH is on the minus strand). VCF-style: chr12-102877572-G-A. GRCh37 (hg19) VCF-style: chr12-103271350-G-A.
Other names: p.?; c.353-22C>T (NM_001354304.2).
Identifiers: ClinVar variation 102654 (VCV000102654.15), dbSNP rs2037639, ClinGen allele CA229520.

ClinVar aggregate classification (germline): Benign. Review status: reviewed by expert panel (3 of 4 stars). 10 submissions from 10 submitters: Benign (1). 9 of the submissions do not count toward it. Last evaluated 2020-03-27.

Conditions:
Phenylketonuria (PKU). Also called: Phenylketonuria (PKU); FOLLING DISEASE; OLIGOPHRENIA PHENYLPYRUVICA; Phenylketonurias. Identifiers: Orphanet 716, MedGen C0031485, MONDO:0009861, OMIM 261600. Disease mechanism: loss of function.

Allele frequency attached by ClinVar (database versions not stated): gnomAD 0.23047; 1000 Genomes Project 30x 0.30356; ExAC 0.27612; 1000 Genomes Project 0.31649; TOPMed 0.21394; ESP Exome Variant Server 0.19676.
gnomAD v4.1: 385,771 of 1,577,894 alleles (24%); highest among the groups gnomAD compares: East Asian, 68%; 53,189 homozygotes.

Submissions (10):

ClinGen PAH Variant Curation Expert Panel
Classification: Benign for Phenylketonuria. Last evaluated: 2020-03-27. Review status: reviewed by expert panel. Criteria: ClinGen PAH ACMG Specifications v1. Collection method: curation. Allele origin: germline. Inheritance: Autosomal recessive inheritance.
Comment: The c.353-22C>T variant in PAH has a MAF of 0.7066 in the gnomAD East Asian population. This intronic variant does not have a predicted impact on splicing. In summary this variant meets criteria to be classified as benign. PAH-specific ACMG/AMP criteria applied: BA1, BP7

Labcorp Genetics (formerly Invitae), Labcorp
Classification: Benign for Phenylketonuria. Last evaluated: 2025-01-31. Review status: criteria provided, single submitter. Criteria: Invitae Variant Classification Sherloc (09022015). Collection method: clinical testing. Allele origin: germline. Not counted in ClinVar's aggregate classification.

Mayo Clinic Laboratories, Mayo Clinic
Classification: Benign. Last evaluated: 2024-06-20. Review status: criteria provided, single submitter. Criteria: ACMG Guidelines, 2015. Collection method: clinical testing. Allele origin: germline. Observed: 28 variant alleles. Not counted in ClinVar's aggregate classification.
Comment: BA1, BP4, BP7

Fulgent Genetics
Classification: Benign for Phenylketonuria. Last evaluated: 2022-05-04. Review status: criteria provided, single submitter. Criteria: ACMG Guidelines, 2015. Collection method: clinical testing. Allele origin: unknown. Not counted in ClinVar's aggregate classification.

Genome-Nilou Lab
Classification: Benign for Phenylketonuria. Last evaluated: 2021-09-05. Review status: criteria provided, single submitter. Criteria: ACMG Guidelines, 2015. Collection method: clinical testing. Allele origin: germline. Affected: no. Not counted in ClinVar's aggregate classification.

Pars Genome Lab
Classification: Benign for Phenylketonuria. Last evaluated: 2021-07-01. Review status: criteria provided, single submitter. Criteria: ACMG Guidelines, 2015. Collection method: clinical testing. Allele origin: germline. Affected: no. Not counted in ClinVar's aggregate classification.

GeneDx
Classification: Benign. Last evaluated: 2015-03-03. Review status: criteria provided, single submitter. Criteria: GeneDx Variant Classification Process June 2021. Collection method: clinical testing. Allele origin: germline. Affected: yes. Not counted in ClinVar's aggregate classification.

Breakthrough Genomics
Classification: Benign. Review status: criteria provided, single submitter. Criteria: ACMG Guidelines, 2015. Collection method: not provided. Allele origin: germline. Inheritance: Autosomal recessive inheritance. Affected: yes. Not counted in ClinVar's aggregate classification.

PreventionGenetics, part of Exact Sciences
Classification: Benign. Review status: criteria provided, single submitter. Criteria: ACMG Guidelines, 2015. Collection method: clinical testing. Allele origin: germline. Not counted in ClinVar's aggregate classification.

DeBelle Laboratory for Biochemical Genetics, MUHC/MCH RESEARCH INSTITUTE
No classification provided. Review status: no classification provided. Collection method: not provided. Allele origin: not provided. Not counted in ClinVar's aggregate classification.

Literature cited by the submitters: PubMed 32668217 (cited by Mayo Clinic Laboratories, Mayo Clinic).